The following is an entry in ClinVar:

ClinVar aggregate classification (germline): Pathogenic (1 of 4 stars; one submission).

Conditions:
Joubert syndrome and related disorders. Identifiers: Orphanet 140874, MedGen C5679612, MONDO:0015369.

Submission:

Myriad Genetics, Inc.
Classification: Pathogenic for Joubert syndrome and related disorders. Last evaluated: 2025-09-25. Review status: criteria provided, single submitter. Criteria: Myriad Autosomal Dominant, Autosomal Recessive and X-Linked Classification Criteria (2023). Collection method: clinical testing. Allele origin: unknown.
Comment: NM_001080522.2(CC2D2A):c.2550dupA(L851Ifs*14) is expected to be pathogenic in the context of CC2D2A-related disorders. This variant is predicted to lead to an abnormal or absent protein product due to the creation of a premature termination codon in CC2D2A, a gene where loss-of-function variants are known to be pathogenic. Please note: this variant was assessed in the context of healthy population screening.

NM_001378615.1(CC2D2A):c.2550dup (p.Leu851fs)

Genes: CC2D2A (coiled-coil and C2 domain containing 2A; plus strand), FBXL5 (F-box and leucine rich repeat protein 5; minus strand). Cytogenetic location: 4p15.32.
Variant type: Duplication.
Coding change: c.2550dup on transcript NM_001378615.1 (MANE Select); coding-DNA position 2550, one base duplicated (A; older notation c.2550dupA).
Protein change: p.Leu851fs; shifts the reading frame from leucine 851.
Molecular consequence: frameshift variant.
Genome position (GRCh38, 1-based): chr4:15,555,135, A duplicated; the last of 6 consecutive A bases (chr4:15,555,130-15,555,135); duplicating any one gives the same sequence. VCF-style (leftmost placement, unchanged base first): chr4-15555129-G-GA. GRCh37 (hg19) VCF-style: chr4-15556752-G-GA.
Other names: c.2403dup, p.Leu802fs (NM_001378617.1); c.2550dup, p.Leu851fs (NM_001080522.2); short protein forms L802fs, L851fs.
Identifiers: ClinVar variation 5015021 (VCV005015021.1).